The following is an entry in ClinVar:

ClinVar aggregate classification (germline): Uncertain significance (1 of 4 stars; one submission).

Conditions:
Cardiovascular phenotype. Identifiers: MedGen CN230736.

Submission:

Ambry Genetics
Classification: Uncertain significance for Cardiovascular phenotype. Last evaluated: 2025-09-02. Review status: criteria provided, single submitter. Criteria: Ambry Variant Classification Scheme 2023. Collection method: clinical testing. Allele origin: germline.
Comment: The c.758C>T (p.T253I) alteration is located in exon 7 (coding exon 7) of the PTPN11 gene. This alteration results from a C to T substitution at nucleotide position 758, causing the threonine (T) at amino acid position 253 to be replaced by an isoleucine (I). This variant was not reported in population-based cohorts in the Genome Aggregation Database (gnomAD). This amino acid position is highly conserved in available vertebrate species. This alteration is predicted to be deleterious by in silico analysis. Based on insufficient or conflicting evidence, the clinical significance of this alteration remains unclear.

NM_002834.5(PTPN11):c.758C>T (p.Thr253Ile)

Gene: PTPN11 (protein tyrosine phosphatase non-receptor type 11; plus strand). Cytogenetic location: 12q24.13.
Variant type: single nucleotide variant.
Coding change: c.758C>T on transcript NM_002834.5 (MANE Select); coding-DNA position 758, C replaced by T.
Protein change: p.Thr253Ile; replaces threonine 253 with isoleucine.
Molecular consequence: missense variant.
Genome position (GRCh38, 1-based): chr12:112,472,945, C>T. VCF-style: chr12-112472945-C-T. GRCh37 (hg19) VCF-style: chr12-112910749-C-T.
Other names: c.758C>T, p.Thr253Ile (NM_001330437.2, NM_080601.3); c.755C>T, p.Thr252Ile (NM_001374625.1); short protein forms T252I, T253I.
Identifiers: ClinVar variation 4147390 (VCV004147390.1).